The following is an entry in ClinVar:

ClinVar aggregate classification (germline): Pathogenic. Review status: criteria provided, multiple submitters, no conflicts (2 of 4 stars). 7 submissions from 7 submitters: Pathogenic (6). 1 of the submissions does not count toward it. Last evaluated 2025-09-02.

Conditions:
Muscular dystrophy, limb-girdle, autosomal recessive 23. Identifiers: Orphanet 565837, MedGen C4748327, MONDO:0029136, OMIM 618138.
LAMA2-related muscular dystrophy (LAMA2-RD). Also called: Laminin alpha 2-related dystrophy. Identifiers: MedGen C5679788, MONDO:0100228.
Merosin deficient congenital muscular dystrophy (MDC1A). Also called: Congenital merosin-deficient muscular dystrophy 1A; Congenital Muscular Dystrophy Type 1A (MDC1A). Identifiers: Orphanet 258, MedGen C1263858, MONDO:0011925, OMIM 607855.

Allele frequency attached by ClinVar (database versions not stated): TOPMed below 0.00001; gnomAD 0.00001; gnomAD exomes 0.00001 and 0.00002; ExAC 0.00003.
gnomAD v4.1: 8 of 1,461,306 alleles (0.00055%); highest among the groups gnomAD compares: Admixed American, 0.0084%; no homozygotes.

Submissions (7):

Labcorp Genetics (formerly Invitae), Labcorp
Classification: Pathogenic for LAMA2-related muscular dystrophy. Last evaluated: 2025-09-02. Review status: criteria provided, single submitter. Criteria: Invitae Variant Classification Sherloc (09022015). Collection method: clinical testing. Allele origin: germline.
Comment: This sequence change affects a donor splice site in intron 3 of the LAMA2 gene. It is expected to disrupt RNA splicing. Variants that disrupt the donor or acceptor splice site typically lead to a loss of protein function (PMID: 16199547), and loss-of-function variants in LAMA2 are known to be pathogenic (PMID: 18700894, 32904964). This variant is present in population databases (rs770617208, gnomAD 0.01%). Disruption of this splice site has been observed in individual(s) with congenital muscular dystrophy (PMID: 30055037). In at least one individual the data is consistent with being in trans (on the opposite chromosome) from a pathogenic variant. ClinVar contains an entry for this variant (Variation ID: 282977). Algorithms developed to predict the effect of sequence changes on RNA splicing suggest that this variant may disrupt the consensus splice site. For these reasons, this variant has been classified as Pathogenic.

Baylor Genetics
Classification: Pathogenic for Merosin deficient congenital muscular dystrophy. Last evaluated: 2023-10-14. Review status: criteria provided, single submitter. Criteria: ACMG Guidelines, 2015. Collection method: clinical testing. Allele origin: unknown.

3billion
Classification: Pathogenic for Muscular dystrophy, limb-girdle, autosomal recessive 23. Last evaluated: 2023-02-23. Review status: criteria provided, single submitter. Criteria: ACMG Guidelines, 2015. Collection method: clinical testing. Allele origin: unknown. Affected: yes.
Comment: The variant is observed at an extremely low frequency in the gnomAD v2.1.1 dataset (total allele frequency: 0.002%). This variant was predicted to alter splicing and result in a loss or disruption of normal protein function. Multiple pathogenic loss-of-function variants are reported downstream of the variant. The variant has been reported at least twice as pathogenic with clinical assertions and evidence for the classification (ClinVar ID: VCV000282977 / PMID: 30055037). Therefore, this variant is classified as Pathogenic according to the recommendation of ACMG/AMP guideline.

GeneDx
Classification: Pathogenic. Last evaluated: 2022-04-14. Review status: criteria provided, single submitter. Criteria: GeneDx Variant Classification Process June 2021. Collection method: clinical testing. Allele origin: germline. Affected: yes.
Comment: Canonical splice site variant predicted to result in a null allele in a gene for which loss of function is a known mechanism of disease; Not observed at significant frequency in large population cohorts (gnomAD); This variant is associated with the following publications: (PMID: 18700894, 16199547, 32936536, 30055037)

Revvity Omics, Revvity
Classification: Pathogenic. Last evaluated: 2019-08-01. Review status: criteria provided, single submitter. Criteria: ACMG Guidelines, 2015. Collection method: clinical testing. Allele origin: germline.

Eurofins Ntd Llc (ga)
Classification: Pathogenic. Last evaluated: 2015-09-04. Review status: criteria provided, single submitter. Criteria: EGL Classification Definitions 2015. Collection method: clinical testing. Allele origin: germline. Observed: 1 variant allele, 1 heterozygote.

Counsyl
Classification: Likely pathogenic for Merosin deficient congenital muscular dystrophy. Last evaluated: 2017-11-30. Review status: no assertion criteria provided. Collection method: clinical testing. Allele origin: unknown. Not counted in ClinVar's aggregate classification.

Literature cited by the submitters: PubMed 16199547 (cited by Labcorp Genetics (formerly Invitae), Labcorp); PubMed 18700894 (cited by Labcorp Genetics (formerly Invitae), Labcorp); PubMed 32904964 (cited by Labcorp Genetics (formerly Invitae), Labcorp); PubMed 30055037 (cited by Labcorp Genetics (formerly Invitae), Labcorp and 3billion).

NM_000426.4(LAMA2):c.396+1G>T

Gene: LAMA2 (laminin subunit alpha 2; plus strand). Cytogenetic location: 6q22.33.
Variant type: single nucleotide variant.
Coding change: c.396+1G>T on transcript NM_000426.4 (MANE Select); the canonical splice donor site of the intron after coding-DNA position 396, G replaced by T.
Molecular consequence: splice donor variant.
Genome position (GRCh38, 1-based): chr6:129,059,897, G>T. VCF-style: chr6-129059897-G-T. GRCh37 (hg19) VCF-style: chr6-129381042-G-T.
Other names: c.396+1G>T (NM_001079823.2).
Identifiers: ClinVar variation 282977 (VCV000282977.25), dbSNP rs770617208, ClinGen allele CA3992309.